The following is an entry in ClinVar:

NM_004937.3(CTNS):c.141-3C>T

Gene: CTNS (cystinosin, lysosomal cystine transporter; plus strand). Cytogenetic location: 17p13.2.
Variant type: single nucleotide variant.
Coding change: c.141-3C>T on transcript NM_004937.3 (MANE Select); 3 bases into the intron before coding-DNA position 141, C replaced by T.
Molecular consequence: intron variant.
Genome position (GRCh38, 1-based): chr17:3,648,844, C>T. VCF-style: chr17-3648844-C-T. GRCh37 (hg19) VCF-style: chr17-3552138-C-T.
Other names: c.141-3C>T (NM_001031681.3, NM_001374492.1); c.-217+1322C>T (NM_001374493.1, NM_001374496.1); c.-216-6154C>T (NM_001374495.1); c.-301-3C>T (NM_001374494.1).
Identifiers: ClinVar variation 4008080 (VCV004008080.1).

ClinVar aggregate classification (germline): Uncertain significance (1 of 4 stars; one submission).

Conditions:
Inborn genetic diseases. Identifiers: MedGen C0950123, MeSH D030342.

Submission:

Ambry Genetics
Classification: Uncertain significance for Inborn genetic diseases. Last evaluated: 2025-03-17. Review status: criteria provided, single submitter. Criteria: Ambry Variant Classification Scheme 2023. Collection method: clinical testing. Allele origin: germline.
Comment: The c.141-3C>T intronic alteration consists of a C to T substitution 3 nucleotides before coding exon 3 in the CTNS gene. Based on insufficient or conflicting evidence, the clinical significance of this alteration remains unclear.